The following is an entry in ClinVar:

NM_002691.4(POLD1):c.2887G>T (p.Ala963Ser)

Gene: POLD1 (DNA polymerase delta 1, catalytic subunit; plus strand). Cytogenetic location: 19q13.33.
Variant type: single nucleotide variant.
Coding change: c.2887G>T on transcript NM_002691.4 (MANE Select); coding-DNA position 2887, G replaced by T.
Protein change: p.Ala963Ser; replaces alanine 963 with serine.
Molecular consequence: missense variant. On other transcripts: non-coding transcript variant (1).
Genome position (GRCh38, 1-based): chr19:50,416,462, G>T. VCF-style: chr19-50416462-G-T. GRCh37 (hg19) VCF-style: chr19-50919719-G-T.
Other names: c.2887G>T, p.Ala963Ser (NM_001256849.1); c.2965G>T, p.Ala989Ser (NM_001308632.1); c.2887G>T (NM_002691.2); short protein forms A963S, A989S.
Identifiers: ClinVar variation 945036 (VCV000945036.10), dbSNP rs867478588, ClinGen allele CA309605363.
Genomic context (GRCh38, chr19:50,416,462, plus strand): 5'-CTGTTCGTGCTGGAGCACAGCCTGCCCATTGACACGCAGTACTACCTGGAGCAGCAGCTG[G>T]CCAAGCCCCTCCTGCGCATCTTCGAGCCCATCCTGGGCGAGGGCCGTGCCGAGGCTGTGC-3'
Protein context (NP_002682.2, residues 953-973): DTQYYLEQQL[Ala963Ser]KPLLRIFEPI

ClinVar aggregate classification (germline): Uncertain significance. Review status: criteria provided, multiple submitters, no conflicts (2 of 4 stars). 2 submissions from 2 submitters: Uncertain significance (2). Last evaluated 2024-12-23.

Conditions:
POLD1-related polyposis and colorectal cancer syndrome (CRCS10). Also called: Colorectal cancer 10; COLORECTAL CANCER, SUSCEPTIBILITY TO, ON CHROMOSOME 19q; Colorectal cancer, susceptibility to, 10. Identifiers: Orphanet 220460, MedGen C2675481, MONDO:0012953, OMIM 612591.
Hereditary cancer-predisposing syndrome. Also called: Hereditary neoplastic syndrome; Tumor predisposition; Neoplastic Syndromes, Hereditary; Hereditary Cancer Syndrome. Identifiers: Orphanet 140162, MedGen C0027672, MeSH D009386, MONDO:0015356.

Submissions (2):

Labcorp Genetics (formerly Invitae), Labcorp
Classification: Uncertain significance for POLD1-related polyposis and colorectal cancer syndrome. Last evaluated: 2024-12-23. Review status: criteria provided, single submitter. Criteria: Invitae Variant Classification Sherloc (09022015). Collection method: clinical testing. Allele origin: germline.
Comment: This sequence change replaces alanine, which is neutral and non-polar, with serine, which is neutral and polar, at codon 963 of the POLD1 protein (p.Ala963Ser). This variant is not present in population databases (gnomAD no frequency). This variant has not been reported in the literature in individuals affected with POLD1-related conditions. ClinVar contains an entry for this variant (Variation ID: 945036). Invitae Evidence Modeling of protein sequence and biophysical properties (such as structural, functional, and spatial information, amino acid conservation, physicochemical variation, residue mobility, and thermodynamic stability) indicates that this missense variant is not expected to disrupt POLD1 protein function with a negative predictive value of 80%. In summary, the available evidence is currently insufficient to determine the role of this variant in disease. Therefore, it has been classified as a Variant of Uncertain Significance.

Ambry Genetics
Classification: Uncertain significance for Hereditary cancer-predisposing syndrome. Last evaluated: 2023-10-15. Review status: criteria provided, single submitter. Criteria: Ambry Variant Classification Scheme 2023. Collection method: clinical testing. Allele origin: germline.
Comment: The p.A963S variant (also known as c.2887G>T), located in coding exon 22 of the POLD1 gene, results from a G to T substitution at nucleotide position 2887. The alanine at codon 963 is replaced by serine, an amino acid with similar properties. This amino acid position is conserved. In addition, this alteration is predicted to be tolerated by in silico analysis. Since supporting evidence is limited at this time, the clinical significance of this alteration remains unclear.